The following is an entry in ClinVar:

NM_000812.4(GABRB1):c.637A>G (p.Ile213Val)

Gene: GABRB1 (gamma-aminobutyric acid type A receptor subunit beta1; plus strand). Cytogenetic location: 4p12.
Variant type: single nucleotide variant.
Coding change: c.637A>G on transcript NM_000812.4 (MANE Select); coding-DNA position 637, A replaced by G.
Protein change: p.Ile213Val; replaces isoleucine 213 with valine.
Molecular consequence: missense variant.
Genome position (GRCh38, 1-based): chr4:47,403,410, A>G. VCF-style: chr4-47403410-A-G. GRCh37 (hg19) VCF-style: chr4-47405427-A-G.
Other names: c.637A>G (NM_000812.3); short protein forms I213V.
Identifiers: ClinVar variation 2898817 (VCV002898817.4), dbSNP rs768248621, ClinGen allele CA2907648.

ClinVar aggregate classification (germline): Uncertain significance. Review status: criteria provided, multiple submitters, no conflicts (2 of 4 stars). 2 submissions from 2 submitters: Uncertain significance (2). Last evaluated 2025-01-17.

Allele frequency attached by ClinVar (database versions not stated): gnomAD exomes below 0.00001; ExAC 0.00001; TOPMed 0.00001.
gnomAD v4.1: 2 of 1,614,100 alleles (0.00012%); highest among the groups gnomAD compares: East Asian, 0.0022%; no homozygotes.

Submissions (2):

Labcorp Genetics (formerly Invitae), Labcorp
Classification: Uncertain significance. Last evaluated: 2025-01-17. Review status: criteria provided, single submitter. Criteria: Invitae Variant Classification Sherloc (09022015). Collection method: clinical testing. Allele origin: germline.
Comment: This sequence change replaces isoleucine, which is neutral and non-polar, with valine, which is neutral and non-polar, at codon 213 of the GABRB1 protein (p.Ile213Val). This variant is present in population databases (rs768248621, gnomAD 0.002%). This variant has not been reported in the literature in individuals affected with GABRB1-related conditions. ClinVar contains an entry for this variant (Variation ID: 2898817). Invitae Evidence Modeling of protein sequence and biophysical properties (such as structural, functional, and spatial information, amino acid conservation, physicochemical variation, residue mobility, and thermodynamic stability) indicates that this missense variant is not expected to disrupt GABRB1 protein function with a negative predictive value of 80%. In summary, the available evidence is currently insufficient to determine the role of this variant in disease. Therefore, it has been classified as a Variant of Uncertain Significance.

Ambry Genetics
Classification: Uncertain significance. Last evaluated: 2024-11-24. Review status: criteria provided, single submitter. Criteria: Ambry Variant Classification Scheme 2023. Collection method: clinical testing. Allele origin: germline.